The following is an entry in ClinVar:

NM_001048174.2(MUTYH):c.737G>C (p.Arg246Pro)

Gene: MUTYH (mutY DNA glycosylase; minus strand). Cytogenetic location: 1p34.1.
Variant type: single nucleotide variant.
Coding change: c.737G>C on transcript NM_001048174.2 (MANE Select); coding-DNA position 737, G replaced by C.
Protein change: p.Arg246Pro; replaces arginine 246 with proline.
Molecular consequence: missense variant. On other transcripts: non-coding transcript variant (2).
Genome position (GRCh38, 1-based): chr1:45,332,278, C>G on the plus strand (G>C on the coding strand, the complement: MUTYH is on the minus strand). VCF-style: chr1-45332278-C-G. GRCh37 (hg19) VCF-style: chr1-45797950-C-G.
Other names: c.737G>C, p.Arg246Pro (NM_001048171.2, NM_001048173.2, NM_001293195.2); c.740G>C, p.Arg247Pro (NM_001048172.2); c.821G>C, p.Arg274Pro (NM_001128425.2); c.782G>C, p.Arg261Pro (NM_001293190.2); c.770G>C, p.Arg257Pro (NM_001293191.2); c.461G>C, p.Arg154Pro (NM_001293192.2, NM_001293196.2); c.392G>C, p.Arg131Pro (NM_001350650.2, NM_001350651.2); c.812G>C, p.Arg271Pro (NM_012222.3); short protein forms R247P, R274P, R131P, R246P, R257P, R154P, R261P, R271P.
Identifiers: ClinVar variation 827517 (VCV000827517.5), dbSNP rs149866955, ClinGen allele CA340134668.

ClinVar aggregate classification (germline): Likely pathogenic (1 of 4 stars; one submission).

Conditions:
Hereditary cancer-predisposing syndrome. Also called: Neoplastic Syndromes, Hereditary; Tumor predisposition; Hereditary neoplastic syndrome; Hereditary Cancer Syndrome. Identifiers: Orphanet 140162, MedGen C0027672, MeSH D009386, MONDO:0015356.

Submission:

Ambry Genetics
Classification: Likely pathogenic for Hereditary cancer-predisposing syndrome. Last evaluated: 2025-08-15. Review status: criteria provided, single submitter. Criteria: Ambry Variant Classification Scheme 2023. Collection method: clinical testing. Allele origin: germline.
Comment: The p.R274P variant (also known as c.821G>C), located in coding exon 10 of the MUTYH gene, results from a G to C substitution at nucleotide position 821. The arginine at codon 274 is replaced by proline, an amino acid with dissimilar properties. In a massively parallel cell-based functional assay testing 7,8-dihydro-8- oxoguanine:adenine (8OG:A) repair activity, a byproduct of oxidative damage, this variant was reported to be non-functional (Hemker SL et al. Am J Hum Genet. Published online July 29, 2025. DOI: 10.1016/j.ajhg.2025.07.005). Another variant at the same codon, p.R274W (c.820C>T), has been reported in the literature in a compound heterozygous state with another MUTYH mutation in multiple individuals with adenomatous polyposis and/or GI cancers (Aceto G et al, Hum. Mutat. 2005 Oct; 26(4):394; Aretz S et al. Int. J. Cancer 2006 Aug;119(4):807-14; Vogt S et al, Gastroenterology 2009 Dec; 137(6):1976-85.e1-10; Aceto GM et al, J. Exp. Clin. Cancer Res. 2015; 34():131). This amino acid position is highly conserved in available vertebrate species. In addition, this alteration is predicted to be deleterious by in silico analysis. This variant is considered to be rare based on population cohorts in the Genome Aggregation Database (gnomAD). Based on the majority of available evidence to date, this variant is likely to be pathogenic.

Literature cited by the submitters: PubMed 40738107.